The following is an entry in ClinVar:

NM_000075.4(CDK4):c.453T>C (p.Gly151=)

Gene: CDK4 (cyclin dependent kinase 4; minus strand). Cytogenetic location: 12q14.1.
Variant type: single nucleotide variant.
Coding change: c.453T>C on transcript NM_000075.4 (MANE Select); coding-DNA position 453, T replaced by C.
Protein change: p.Gly151=; no amino-acid change (glycine 151 retained).
Molecular consequence: synonymous variant.
Genome position (GRCh38, 1-based): chr12:57,750,992, A>G on the plus strand (T>C on the coding strand, the complement: CDK4 is on the minus strand). VCF-style: chr12-57750992-A-G. GRCh37 (hg19) VCF-style: chr12-58144775-A-G.
Identifiers: ClinVar variation 1605925 (VCV001605925.11), dbSNP rs2140386487, ClinGen allele CA480404462.

ClinVar aggregate classification (germline): Benign/Likely benign. Review status: criteria provided, multiple submitters, no conflicts (2 of 4 stars). 3 submissions from 3 submitters: Benign (1); Likely benign (2). Last evaluated 2025-05-17.

Conditions:
Familial melanoma. Also called: Hereditary melanoma; Hereditary cutaneous melanoma. Identifiers: Orphanet 618, MedGen C1512419, MONDO:0018961.
Hereditary cancer-predisposing syndrome. Also called: Tumor predisposition; Hereditary neoplastic syndrome; Neoplastic Syndromes, Hereditary; Hereditary Cancer Syndrome. Identifiers: Orphanet 140162, MedGen C0027672, MeSH D009386, MONDO:0015356.
Melanoma, cutaneous malignant, susceptibility to, 3. Also called: Cutaneous malignant melanoma 3. Identifiers: Orphanet 618, MedGen C1836892, MONDO:0012183, OMIM 609048.

Allele frequency attached by ClinVar (database versions not stated): gnomAD exomes 0.00001.
gnomAD v4.1: 5 of 1,613,746 alleles (0.00031%); highest among the groups gnomAD compares: African/African-American, 0.0067%; no homozygotes.

Submissions (3):

Labcorp Genetics (formerly Invitae), Labcorp
Classification: Likely benign for Familial melanoma. Last evaluated: 2025-05-17. Review status: criteria provided, single submitter. Criteria: Invitae Variant Classification Sherloc (09022015). Collection method: clinical testing. Allele origin: germline.

Myriad Genetics, Inc.
Classification: Benign for Melanoma, cutaneous malignant, susceptibility to, 3. Last evaluated: 2024-09-25. Review status: criteria provided, single submitter. Criteria: Myriad Autosomal Dominant, Autosomal Recessive and X-Linked Classification Criteria (2023). Collection method: clinical testing. Allele origin: unknown.
Comment: This variant is considered benign. This variant is a silent/synonymous amino acid change and it is not expected to impact splicing.

Ambry Genetics
Classification: Likely benign for Hereditary cancer-predisposing syndrome. Last evaluated: 2021-11-05. Review status: criteria provided, single submitter. Criteria: Ambry Variant Classification Scheme 2023. Collection method: clinical testing. Allele origin: germline.